The following is an entry in ClinVar:

NM_000535.7(PMS2):c.706-5_706-4dup

Gene: PMS2 (PMS1 homolog 2, mismatch repair system component; minus strand). Cytogenetic location: 7p22.1.
Variant type: Duplication.
Coding change: c.706-5_706-4dup on transcript NM_000535.7 (MANE Select); 5 bases into the intron before coding-DNA position 706 through 4 bases into the intron before coding-DNA position 706, 2 bases duplicated (TT; older notation c.706-5_706-4dupTT).
Molecular consequence: intron variant.
Genome position (GRCh38, 1-based): chr7:5,997,427-5,997,428, AA duplicated on the plus strand (TT on the coding strand, the reverse complement: PMS2 is on the minus strand); duplicating any 2 consecutive bases within chr7:5,997,427-5,997,443 gives the same sequence; the c. name uses the placement nearest the transcript's 3' end. VCF-style (leftmost placement, unchanged base first): chr7-5997426-G-GAA. GRCh37 (hg19) VCF-style: chr7-6037057-G-GAA.
Other names: c.706-5_706-4dupTT (NM_001322014.2, NM_000535.7); c.706-5_706-4dup (NM_000535.5, NM_001322006.2, NM_001322014.2); c.388-5_388-4dup (NM_001322008.2, NM_001322007.2); c.301-5_301-4dup (NM_001322010.2, NM_001322004.2, NM_001322003.2 and 2 more transcripts); c.133-5_133-4dup (NM_001322013.2); c.-228-5_-228-4dup (NM_001322012.2, NM_001322011.2); c.397-5_397-4dup (NM_001322015.2).
Identifiers: ClinVar variation 1802741 (VCV001802741.13), dbSNP rs60794673, ClinGen allele CA4150129.

ClinVar aggregate classification (germline): Conflicting classifications of pathogenicity. Review status: criteria provided, conflicting classifications (1 of 4 stars). 7 submissions from 7 submitters: Uncertain significance (1); Benign (3); Likely benign (3). Last evaluated 2026-03-11.

Conditions:
Hereditary cancer-predisposing syndrome. Also called: Hereditary neoplastic syndrome; Neoplastic Syndromes, Hereditary; Tumor predisposition; Hereditary Cancer Syndrome. Identifiers: Orphanet 140162, MedGen C0027672, MeSH D009386, MONDO:0015356.
Lynch syndrome. Identifiers: Orphanet 144, MedGen C4552100, MONDO:0005835. Disease mechanism: loss of function.
Lynch syndrome 4 (LYNCH4). Also called: Colorectal cancer, hereditary nonpolyposis, type 4; Hereditary non-polyposis colorectal cancer, type 4. Identifiers: Orphanet 144, MedGen C1838333, MONDO:0013699, OMIM 614337. Disease mechanism: loss of function.
Mismatch repair cancer syndrome 4. Identifiers: MedGen C5436817, MONDO:0030843, OMIM 619101.
Breast and/or ovarian cancer. Identifiers: MedGen CN221562.

Submissions (7):

Dasa
Classification: Benign. Last evaluated: 2026-03-11. Review status: criteria provided, single submitter. Criteria: DASA Assertion Criteria. Collection method: clinical testing. Allele origin: germline.
Comment: NM_000535.7(PMS2):c.706-5_706-4dup is a splice-region variant. Population frequency is inconsistent with a disease-causing role for this variant. Therefore, based on the currently available evidence, this variant is classified as benign.

Center for Genomic Medicine, Rigshospitalet, Copenhagen University Hospital
Classification: Benign. Last evaluated: 2025-03-04. Review status: criteria provided, single submitter. Criteria: ACMG Guidelines, 2015. Collection method: clinical testing. Allele origin: germline.

Blueprint Genetics
Classification: Likely benign. Last evaluated: 2024-10-03. Review status: criteria provided, single submitter. Criteria: ACMG Guidelines, 2015. Collection method: clinical testing. Allele origin: germline.

All of Us Research Program, National Institutes of Health
Classification: Uncertain significance for Lynch syndrome. Last evaluated: 2024-05-17. Review status: criteria provided, single submitter. Criteria: ACMG Guidelines, 2015. Collection method: clinical testing. Allele origin: germline. Inheritance: Autosomal dominant inheritance. Observed: 2 variant alleles, 2 heterozygotes.
Comment: This study involves interpretation of variants in research participants for the purpose of population health screening. Participant phenotype was not available at the time of variant classification. Additional details can be found in publication PMID: 35346344, PMCID: PMC8962531

Institute for Biomarker Research, Medical Diagnostic Laboratories, L.L.C.
Classification: Likely benign for Hereditary cancer-predisposing syndrome. Last evaluated: 2023-10-31. Review status: criteria provided, single submitter. Criteria: ACMG Guidelines, 2015. Collection method: clinical testing. Allele origin: germline.

CHEO Genetics Diagnostic Laboratory, Children's Hospital of Eastern Ontario
Classification: Likely benign for Breast and/or ovarian cancer. Last evaluated: 2022-04-29. Review status: criteria provided, single submitter. Criteria: ACMG Guidelines, 2015. Collection method: clinical testing. Allele origin: germline.

Department of Pathology and Laboratory Medicine, Sinai Health System
Classification: Benign for Lynch syndrome 4; Mismatch repair cancer syndrome 4. Last evaluated: 2018-11-01. Review status: criteria provided, single submitter. Criteria: ACMG Guidelines, 2015. Collection method: clinical testing. Allele origin: germline.